The following is an entry in ClinVar:

ClinVar aggregate classification (germline): Pathogenic. Review status: criteria provided, multiple submitters, no conflicts (2 of 4 stars). 2 submissions from 2 submitters: Pathogenic (2). Last evaluated 2024-04-16.

Conditions:
Uruguay Faciocardiomusculoskeletal syndrome. Identifiers: MedGen C1846010, MONDO:0010292, OMIM 300280.
X-linked scapuloperoneal muscular dystrophy. Also called: SCAPULOPERONEAL MYOPATHY, FHL1-RELATED. Identifiers: Orphanet 431272, MedGen C2678061, MONDO:0010400, OMIM 300695.
Myopathy, reducing body, X-linked, childhood-onset (RBMX1B). Also called: REDUCING BODY MYOPATHY, X-LINKED 1B, WITH LATE CHILDHOOD OR ADULT ONSET. Identifiers: Orphanet 97239, MedGen C4225159, MONDO:0010415, OMIM 300718.
Myopathy, reducing body, X-linked, early-onset, severe (RBMX1A). Also called: REDUCING BODY MYOPATHY, X-LINKED 1, SEVERE, WITH INFANTILE OR EARLY CHILDHOOD ONSET. Identifiers: Orphanet 97239, MedGen C4225423, MONDO:0010414, OMIM 300717.
X-linked myopathy with postural muscle atrophy. Also called: FHL1-Related Emery-Dreifuss Muscular Dystrophy, X-Linked. Identifiers: Orphanet 178461, MedGen C2678055, MONDO:0010401, OMIM 300696.

Allele frequency attached by ClinVar (database versions not stated): gnomAD 0.00001; TOPMed 0.00001.
gnomAD v4.1: 1 of 1,210,003 alleles (0.000083%); highest among the groups gnomAD compares: Non-Finnish European, 0.00011%; no homozygotes.

Submissions (2):

Fulgent Genetics
Classification: Pathogenic for Uruguay Faciocardiomusculoskeletal syndrome; X-linked scapuloperoneal muscular dystrophy; X-linked myopathy with postural muscle atrophy; Myopathy, reducing body, X-linked, early-onset, severe; Myopathy, reducing body, X-linked, childhood-onset. Last evaluated: 2024-04-16. Review status: criteria provided, single submitter. Criteria: ACMG Guidelines, 2015. Collection method: clinical testing. Allele origin: germline.

Labcorp Genetics (formerly Invitae), Labcorp
Classification: Pathogenic for X-linked myopathy with postural muscle atrophy. Last evaluated: 2020-04-13. Review status: criteria provided, single submitter. Criteria: Invitae Variant Classification Sherloc (09022015). Collection method: clinical testing. Allele origin: germline.
Comment: This variant is not present in population databases (ExAC no frequency). For these reasons, this variant has been classified as Pathogenic. Loss-of-function variants in FHL1 are known to be pathogenic (PMID: 18179888, 19687455, 19716112, 22523091, 24114807). This variant has been observed in individual(s) with FHL1-related conditions (PMID: 26265627). This sequence change creates a premature translational stop signal (p.Trp181*) in the FHL1 gene. It is expected to result in an absent or disrupted protein product.

Literature cited by the submitters: PubMed 18179888 (cited by Labcorp Genetics (formerly Invitae), Labcorp); PubMed 19687455 (cited by Labcorp Genetics (formerly Invitae), Labcorp); PubMed 19716112 (cited by Labcorp Genetics (formerly Invitae), Labcorp); PubMed 22523091 (cited by Labcorp Genetics (formerly Invitae), Labcorp); PubMed 24114807 (cited by Labcorp Genetics (formerly Invitae), Labcorp); PubMed 26265627 (cited by Labcorp Genetics (formerly Invitae), Labcorp).

NM_001159699.2(FHL1):c.590G>A (p.Trp197Ter)

Gene: FHL1 (four and a half LIM domains 1; plus strand). Cytogenetic location: Xq26.3.
Variant type: single nucleotide variant.
Coding change: c.590G>A on transcript NM_001159699.2 (MANE Select); coding-DNA position 590, G replaced by A.
Protein change: p.Trp197Ter; replaces tryptophan 197 with a stop codon.
Molecular consequence: nonsense. On other transcripts: non-coding transcript variant (1), intron variant (2).
Genome position (GRCh38, 1-based): chrX:136,208,495, G>A. VCF-style: chrX-136208495-G-A. GRCh37 (hg19) VCF-style: chrX-135290654-G-A.
Other names: c.542G>A, p.Trp181Ter (NM_001159700.2, NM_001159702.3, NM_001159704.1 and 8 more transcripts); c.629G>A, p.Trp210Ter (NM_001159701.2); c.501+534G>A (NM_001159703.2); c.549+534G>A (NM_001330659.2); short protein forms W181*, W197*, W210*.
Identifiers: ClinVar variation 1074316 (VCV001074316.10), dbSNP rs1191211949, ClinGen allele CA414608780.